The following is an entry in ClinVar:

ClinVar aggregate classification (germline): Uncertain significance. Review status: criteria provided, multiple submitters, no conflicts (2 of 4 stars). 2 submissions from 2 submitters: Uncertain significance (2). Last evaluated 2026-01-13.

Conditions:
KBG syndrome (KBGS). Also called: ANKRD11-Related KBG Syndrome. Identifiers: Orphanet 2332, MedGen C0220687, MONDO:0007846, OMIM 148050.

Allele frequency attached by ClinVar (database versions not stated): gnomAD 0.00001; gnomAD exomes 0.00002; TOPMed 0.00002.
gnomAD v4.1: 29 of 1,561,794 alleles (0.0019%); highest among the groups gnomAD compares: Middle Eastern, 0.017%; no homozygotes.

Submissions (2):

Labcorp Genetics (formerly Invitae), Labcorp
Classification: Uncertain significance for KBG syndrome. Last evaluated: 2026-01-13. Review status: criteria provided, single submitter. Criteria: Invitae Variant Classification Sherloc (09022015). Collection method: clinical testing. Allele origin: germline.
Comment: This variant occurs in a non-coding region of the ANKRD11 gene. It does not change the encoded amino acid sequence of the ANKRD11 protein. This variant is present in population databases (rs552382682, gnomAD 0.004%). This variant has not been reported in the literature in individuals affected with ANKRD11-related conditions. ClinVar contains an entry for this variant (Variation ID: 2855282). In summary, the available evidence is currently insufficient to determine the role of this variant in disease. Therefore, it has been classified as a Variant of Uncertain Significance.

Breakthrough Genomics
Classification: Uncertain significance. Review status: criteria provided, single submitter. Criteria: ACMG Guidelines, 2015. Collection method: not provided. Allele origin: germline. Inheritance: Autosomal dominant inheritance. Affected: yes.

NM_013275.6(ANKRD11):c.-53G>A

Genes: ANKRD11 (ankyrin repeat domain 11; minus strand), LOC128462377 (ankyrin repeat domain 11 upstream open reading frame; minus strand). Cytogenetic location: 16q24.3.
Variant type: single nucleotide variant.
Coding change: c.-53G>A on transcript NM_013275.6 (MANE Select); 53 bases upstream of the start codon, G replaced by A.
Molecular consequence: 5 prime UTR variant. On other transcripts: missense variant (2), non-coding transcript variant (1).
Genome position (GRCh38, 1-based): chr16:89,317,072, C>T on the plus strand (G>A on the coding strand, the complement: ANKRD11 is on the minus strand). VCF-style: chr16-89317072-C-T. GRCh37 (hg19) VCF-style: chr16-89383480-C-T.
Other names: c.13G>A, p.Val5Ile (NM_001416403.1); c.16G>A, p.Val6Ile (NM_001417603.1); c.-53G>A (NM_001256182.2, NM_001256183.2); short protein forms V5I, V6I.
Identifiers: ClinVar variation 2855282 (VCV002855282.4), dbSNP rs552382682, ClinGen allele CA286530278.
Genomic context (GRCh38, chr16:89,317,072, plus strand): 5'-TTGGGCATCGTCCTGCTCCTCACCCGATCTTCATTTACACGGCCGGCGCTTCATCATCAA[C>T]CGTCTGCTTCAAAAGAGAAGACACACAATTCACTGAATTCAGAGGCAGCTCAAAACTCAT-3'